The following is an entry in ClinVar:

NM_004360.5(CDH1):c.2300T>C (p.Phe767Ser)

Gene: CDH1 (cadherin 1; plus strand). Cytogenetic location: 16q22.1.
Variant type: single nucleotide variant.
Coding change: c.2300T>C on transcript NM_004360.5 (MANE Select); coding-DNA position 2300, T replaced by C.
Protein change: p.Phe767Ser; replaces phenylalanine 767 with serine.
Molecular consequence: missense variant.
Genome position (GRCh38, 1-based): chr16:68,829,658, T>C. VCF-style: chr16-68829658-T-C. GRCh37 (hg19) VCF-style: chr16-68863561-T-C.
Other names: c.2117T>C, p.Phe706Ser (NM_001317184.2); c.752T>C, p.Phe251Ser (NM_001317185.2); c.335T>C, p.Phe112Ser (NM_001317186.2); short protein forms F112S, F251S, F767S, F706S.
Identifiers: ClinVar variation 1789293 (VCV001789293.2), dbSNP rs2152142214, ClinGen allele CA396470753.

ClinVar aggregate classification (germline): Uncertain significance (1 of 4 stars; one submission).

Conditions:
Hereditary cancer-predisposing syndrome. Also called: Hereditary Cancer Syndrome; Hereditary neoplastic syndrome; Tumor predisposition; Neoplastic Syndromes, Hereditary. Identifiers: Orphanet 140162, MedGen C0027672, MeSH D009386, MONDO:0015356.

Submission:

Ambry Genetics
Classification: Uncertain significance for Hereditary cancer-predisposing syndrome. Last evaluated: 2022-04-24. Review status: criteria provided, single submitter. Criteria: Ambry Variant Classification Scheme 2023. Collection method: clinical testing. Allele origin: germline.
Comment: The p.F767S variant (also known as c.2300T>C), located in coding exon 15 of the CDH1 gene, results from a T to C substitution at nucleotide position 2300. The phenylalanine at codon 767 is replaced by serine, an amino acid with highly dissimilar properties. This amino acid position is conserved. In addition, the in silico prediction for this alteration is inconclusive. Since supporting evidence is limited at this time, the clinical significance of this alteration remains unclear.